The following is an entry in ClinVar:

ClinVar aggregate classification (germline): Likely benign. Review status: criteria provided, multiple submitters, no conflicts (2 of 4 stars). 6 submissions from 6 submitters: Likely benign (5). 1 of the submissions does not count toward it. Last evaluated 2026-01-22.

Conditions:
SZT2-related disorder. Also called: SZT2-related condition.
Developmental and epileptic encephalopathy, 18 (DEE18). Also called: Early infantile epileptic encephalopathy 18. Identifiers: Orphanet 369894, MedGen C3809624, MONDO:0014201, OMIM 615476.

Allele frequency attached by ClinVar (database versions not stated): 1000 Genomes Project 30x 0.00016; 1000 Genomes Project 0.00020; gnomAD 0.00064; TOPMed 0.00065; ESP Exome Variant Server 0.00070.
gnomAD v4.1: 228 of 1,598,386 alleles (0.014%); highest among the groups gnomAD compares: African/African-American, 0.26%; 1 homozygote.

Submissions (6):

Labcorp Genetics (formerly Invitae), Labcorp
Classification: Likely benign. Last evaluated: 2026-01-22. Review status: criteria provided, single submitter. Criteria: Invitae Variant Classification Sherloc (09022015). Collection method: clinical testing. Allele origin: germline.

Blueprint Genetics
Classification: Likely benign. Last evaluated: 2024-09-23. Review status: criteria provided, single submitter. Criteria: ACMG Guidelines, 2015. Collection method: clinical testing. Allele origin: germline.

Genome-Nilou Lab
Classification: Likely benign for Developmental and epileptic encephalopathy, 18. Last evaluated: 2023-04-11. Review status: criteria provided, single submitter. Criteria: ACMG Guidelines, 2015. Collection method: clinical testing. Allele origin: germline. Affected: no.

CeGaT Center for Human Genetics Tuebingen
Classification: Likely benign. Last evaluated: 2023-04-01. Review status: criteria provided, single submitter. Criteria: CeGaT Center For Human Genetics Tuebingen Variant Classification Criteria Version 2. Collection method: clinical testing. Allele origin: germline. Affected: yes. Observed: 1 variant allele.
Comment: SZT2: BP4, BP7

GeneDx
Classification: Likely benign. Last evaluated: 2021-10-09. Review status: criteria provided, single submitter. Criteria: GeneDx Variant Classification Process June 2021. Collection method: clinical testing. Allele origin: germline. Affected: yes.

PreventionGenetics, part of Exact Sciences
Classification: Likely benign for SZT2-related condition. Last evaluated: 2024-08-26. Review status: no assertion criteria provided. Collection method: clinical testing. Allele origin: germline. Not counted in ClinVar's aggregate classification.
Comment: This variant is classified as likely benign based on ACMG/AMP sequence variant interpretation guidelines (Richards et al. 2015 PMID: 25741868, with internal and published modifications).

NM_001365999.1(SZT2):c.1488G>A (p.Thr496=)

Gene: SZT2 (SZT2 subunit of KICSTOR complex; plus strand). Cytogenetic location: 1p34.2.
Variant type: single nucleotide variant.
Coding change: c.1488G>A on transcript NM_001365999.1 (MANE Select); coding-DNA position 1488, G replaced by A.
Protein change: p.Thr496=; no amino-acid change (threonine 496 retained).
Molecular consequence: synonymous variant.
Genome position (GRCh38, 1-based): chr1:43,420,975, G>A. VCF-style: chr1-43420975-G-A. GRCh37 (hg19) VCF-style: chr1-43886646-G-A.
Other names: c.1488G>A, p.Thr496= (NM_015284.4).
Identifiers: ClinVar variation 697081 (VCV000697081.39), dbSNP rs370045267, ClinGen allele CA808424.
Genomic context (GRCh38, chr1:43,420,975, plus strand): 5'-ACTAAGGCAGCCCATTCGTTCATTGTATCGTACCCATGTTATCCGGCGTTTCTGGAACAC[G>A]CTGCAGAGGTCAGTGAAGTCATCACTCAATGAGTGCTGCCCCATTTGTTGTATGGAGGGA-3'
Protein context (NP_001352928.1, residues 486-506): RTHVIRRFWN[Thr496=]LQSINQTDQM